The following is an entry in ClinVar:

ClinVar aggregate classification (germline): Uncertain significance (1 of 4 stars; one submission).

Conditions:
Inborn genetic diseases. Identifiers: MedGen C0950123, MeSH D030342.

Submission:

Ambry Genetics
Classification: Uncertain significance for Inborn genetic diseases. Last evaluated: 2024-12-20. Review status: criteria provided, single submitter. Criteria: Ambry Variant Classification Scheme 2023. Collection method: clinical testing. Allele origin: germline.
Comment: The p.S316A variant (also known as c.946T>G), located in coding exon 8 of the FANCG gene, results from a T to G substitution at nucleotide position 946. The serine at codon 316 is replaced by alanine, an amino acid with similar properties. This amino acid position is conserved. In addition, this alteration is predicted to be tolerated by in silico analysis. Based on the available evidence, the clinical significance of this variant remains unclear.

NM_004629.2(FANCG):c.946T>G (p.Ser316Ala)

Gene: FANCG (FA complementation group G; minus strand). Cytogenetic location: 9p13.3.
Variant type: single nucleotide variant.
Coding change: c.946T>G on transcript NM_004629.2 (MANE Select); coding-DNA position 946, T replaced by G.
Protein change: p.Ser316Ala; replaces serine 316 with alanine.
Molecular consequence: missense variant.
Genome position (GRCh38, 1-based): chr9:35,076,562, A>C on the plus strand (T>G on the coding strand, the complement: FANCG is on the minus strand). VCF-style: chr9-35076562-A-C. GRCh37 (hg19) VCF-style: chr9-35076559-A-C.
Other names: short protein forms S316A.
Identifiers: ClinVar variation 3848375 (VCV003848375.1).
Genomic context (GRCh38, chr9:35,076,562, plus strand): 5'-AGGCTAGGTCAGGTGGTGGCAGTAGTAATTCTACCTCAATGAGAAACTGCGGGGCTTTGG[A>C]ACTGCATGGGACATTCAAGGCCTAAAAGAGAAAGAAAAAAATTGTATCTATAATCTTTGG-3'
Protein context (NP_004620.1, residues 306-326): LVEALNVPCS[Ser316Ala]KAPQFLIEVE